The following is an entry in ClinVar:

NM_020822.3(KCNT1):c.2009-2A>G

Gene: KCNT1 (potassium sodium-activated channel subfamily T member 1; plus strand). Cytogenetic location: 9q34.3.
Variant type: single nucleotide variant.
Coding change: c.2009-2A>G on transcript NM_020822.3 (MANE Select); the canonical splice acceptor site of the intron before coding-DNA position 2009, A replaced by G.
Molecular consequence: splice acceptor variant.
Genome position (GRCh38, 1-based): chr9:135,772,713, A>G. VCF-style: chr9-135772713-A-G. GRCh37 (hg19) VCF-style: chr9-138664559-A-G.
Other names: c.1874-2A>G (NM_001272003.2).
Identifiers: ClinVar variation 847611 (VCV000847611.9), dbSNP rs1318491844, ClinGen allele CA375509866.

ClinVar aggregate classification (germline): Uncertain significance. Review status: criteria provided, multiple submitters, no conflicts (2 of 4 stars). 2 submissions from 2 submitters: Uncertain significance (2). Last evaluated 2025-05-09.

Conditions:
Autosomal dominant nocturnal frontal lobe epilepsy 5. Also called: CILIARY DYSKINESIA, PRIMARY, 28, WITHOUT SITUS INVERSUS; KCNT1-Related Epilepsy; CILIARY DYSKINESIA, PRIMARY, 28, WITH SITUS INVERSUS; Epilepsy, nocturnal frontal lobe, 5. Identifiers: Orphanet 98784, MedGen C3554306, MONDO:0014002, OMIM 615005.
Developmental and epileptic encephalopathy, 14 (DEE14). Also called: Early infantile epileptic encephalopathy 14. Identifiers: Orphanet 293181, MedGen C3554195, MONDO:0013989, OMIM 614959.

Allele frequency attached by ClinVar (database versions not stated): gnomAD exomes below 0.00001.
gnomAD v4.1: 1 of 1,390,302 alleles (0.000072%); highest among the groups gnomAD compares: Middle Eastern, 0.019%; no homozygotes.

Submissions (2):

Institute of Immunology and Genetics Kaiserslautern
Classification: Uncertain significance for Developmental and epileptic encephalopathy, 14; Autosomal dominant nocturnal frontal lobe epilepsy 5. Last evaluated: 2025-05-09. Review status: criteria provided, single submitter. Criteria: ACMG Guidelines, 2015. Collection method: clinical testing. Allele origin: germline.
Comment: ACMG Criteria: PM2_P; Variant was found in heterozygous state.

Labcorp Genetics (formerly Invitae), Labcorp
Classification: Uncertain significance for Autosomal dominant nocturnal frontal lobe epilepsy 5; Developmental and epileptic encephalopathy, 14. Last evaluated: 2019-04-09. Review status: criteria provided, single submitter. Criteria: Invitae Variant Classification Sherloc (09022015). Collection method: clinical testing. Allele origin: germline.
Comment: In summary, the available evidence is currently insufficient to determine the role of this variant in disease. Therefore, it has been classified as a Variant of Uncertain Significance. The current clinical and genetic evidence is not sufficient to establish whether loss-of-function variants in KCNT1 cause disease. This sequence change affects an acceptor splice site in intron 18 of the KCNT1 gene. It is expected to disrupt RNA splicing and likely results in an absent or disrupted protein product. The frequency data for this variant in the population databases is considered unreliable, as metrics indicate insufficient coverage at this position in the ExAC database. This variant has not been reported in the literature in individuals with KCNT1-related conditions. Algorithms developed to predict the effect of sequence changes on RNA splicing suggest that this variant may disrupt the consensus splice site, but this prediction has not been confirmed by published transcriptional studies.